The following is an entry in ClinVar:

ClinVar aggregate classification (germline): Uncertain significance (1 of 4 stars; one submission).

Conditions:
Familial adenomatous polyposis 2. Also called: MUTYH Polyposis; COLORECTAL ADENOMATOUS POLYPOSIS, AUTOSOMAL RECESSIVE; ADENOMAS, MULTIPLE COLORECTAL, AUTOSOMAL RECESSIVE; MYH-associated polyposis; MUTYH-associated polyposis; MUTYH-related attenuated familial adenomatous polyposis. Identifiers: Orphanet 220460, Orphanet 247798, MedGen C3272841, MONDO:0012041, OMIM 608456.

Submission:

All of Us Research Program, National Institutes of Health
Classification: Uncertain significance for Familial adenomatous polyposis 2. Last evaluated: 2024-06-09. Review status: criteria provided, single submitter. Criteria: ACMG Guidelines, 2015. Collection method: clinical testing. Allele origin: germline. Inheritance: Autosomal recessive inheritance. Observed: 1 variant allele, 1 heterozygote.
Comment: This missense variant replaces leucine with methionine at codon 458 of the MUTYH protein. Computational prediction suggests that this variant may not impact protein structure and function (internally defined REVEL score threshold <= 0.5, PMID: 27666373). To our knowledge, functional studies have not been reported for this variant. This variant has not been reported in individuals affected with hereditary cancer in the literature. This variant has not been identified in the general population by the Genome Aggregation Database (gnomAD). The available evidence is insufficient to determine the role of this variant in disease conclusively. Therefore, this variant is classified as a Variant of Uncertain Significance.

This study involves interpretation of variants in research participants for the purpose of population health screening. Participant phenotype was not available at the time of variant classification. Additional details can be found in publication PMID: 35346344, PMCID: PMC8962531

NM_001048174.2(MUTYH):c.1288C>A (p.Leu430Met)

Gene: MUTYH (mutY DNA glycosylase; minus strand). Cytogenetic location: 1p34.1.
Variant type: single nucleotide variant.
Coding change: c.1288C>A on transcript NM_001048174.2 (MANE Select); coding-DNA position 1288, C replaced by A.
Protein change: p.Leu430Met; replaces leucine 430 with methionine.
Molecular consequence: missense variant. On other transcripts: non-coding transcript variant (7).
Genome position (GRCh38, 1-based): chr1:45,331,286, G>T on the plus strand (C>A on the coding strand, the complement: MUTYH is on the minus strand). VCF-style: chr1-45331286-G-T. GRCh37 (hg19) VCF-style: chr1-45796958-G-T.
Other names: c.1288C>A, p.Leu430Met (NM_001048171.2, NM_001048173.2, NM_001293195.2 and 6 more transcripts); c.1291C>A, p.Leu431Met (NM_001048172.2, NM_001407071.1, NM_001407078.1 and 1 more transcripts); c.1372C>A, p.Leu458Met (NM_001128425.2); c.1333C>A, p.Leu445Met (NM_001293190.2); c.1321C>A, p.Leu441Met (NM_001293191.2, NM_001407069.1, NM_001407077.1); c.1012C>A, p.Leu338Met (NM_001293192.2, NM_001293196.2, NM_001407091.1); c.943C>A, p.Leu315Met (NM_001350650.2, NM_001350651.2, NM_001407082.1); c.1204C>A, p.Leu402Met (NM_001407075.1); and 5 more; short protein forms L315M, L338M, L402M, L416M, L417M, L430M, L431M, L437M.
Identifiers: ClinVar variation 3387076 (VCV003387076.1).